The following is an entry in ClinVar:

ClinVar aggregate classification (germline): Uncertain significance. Review status: criteria provided, multiple submitters, no conflicts (2 of 4 stars). 3 submissions from 3 submitters: Uncertain significance (3). Last evaluated 2024-09-04.

Conditions:
Inborn genetic diseases. Identifiers: MedGen C0950123, MeSH D030342.

Allele frequency attached by ClinVar (database versions not stated): ExAC 0.00003; gnomAD exomes 0.00005 and 0.00010; gnomAD 0.00006; TOPMed 0.00008; 1000 Genomes Project 0.00020; ESP Exome Variant Server 0.00023; 1000 Genomes Project 30x 0.00031.
gnomAD v4.1: 154 of 1,613,992 alleles (0.0095%); highest among the groups gnomAD compares: Non-Finnish European, 0.013%; 1 homozygote.

Submissions (3):

Blueprint Genetics
Classification: Uncertain significance. Last evaluated: 2024-09-04. Review status: criteria provided, single submitter. Criteria: ACMG Guidelines, 2015. Collection method: clinical testing. Allele origin: germline.

Ambry Genetics
Classification: Uncertain significance for Inborn genetic diseases. Last evaluated: 2024-01-23. Review status: criteria provided, single submitter. Criteria: Ambry Variant Classification Scheme 2023. Collection method: clinical testing. Allele origin: germline.

Labcorp Genetics (formerly Invitae), Labcorp
Classification: Uncertain significance. Last evaluated: 2023-11-20. Review status: criteria provided, single submitter. Criteria: Invitae Variant Classification Sherloc (09022015). Collection method: clinical testing. Allele origin: germline.
Comment: This sequence change replaces threonine, which is neutral and polar, with alanine, which is neutral and non-polar, at codon 514 of the PDE6A protein (p.Thr514Ala). This variant is present in population databases (rs147653202, gnomAD 0.01%). This variant has not been reported in the literature in individuals affected with PDE6A-related conditions. ClinVar contains an entry for this variant (Variation ID: 1061488). Advanced modeling of protein sequence and biophysical properties (such as structural, functional, and spatial information, amino acid conservation, physicochemical variation, residue mobility, and thermodynamic stability) performed at Invitae indicates that this missense variant is not expected to disrupt PDE6A protein function with a negative predictive value of 80%. In summary, the available evidence is currently insufficient to determine the role of this variant in disease. Therefore, it has been classified as a Variant of Uncertain Significance.

NM_000440.3(PDE6A):c.1540A>G (p.Thr514Ala)

Gene: PDE6A (phosphodiesterase 6A; minus strand). Cytogenetic location: 5q32.
Variant type: single nucleotide variant.
Coding change: c.1540A>G on transcript NM_000440.3 (MANE Select); coding-DNA position 1540, A replaced by G.
Protein change: p.Thr514Ala; replaces threonine 514 with alanine.
Molecular consequence: missense variant.
Genome position (GRCh38, 1-based): chr5:149,896,436, T>C on the plus strand (A>G on the coding strand, the complement: PDE6A is on the minus strand). VCF-style: chr5-149896436-T-C. GRCh37 (hg19) VCF-style: chr5-149275999-T-C.
Other names: c.1540A>G (NM_000440.2); short protein forms T514A.
Identifiers: ClinVar variation 1061488 (VCV001061488.7), dbSNP rs147653202, ClinGen allele CA3504638.